The following is an entry in ClinVar:

NM_000891.3(KCNJ2):c.1255A>G (p.Arg419Gly)

Gene: KCNJ2 (potassium inwardly rectifying channel subfamily J member 2; plus strand). Cytogenetic location: 17q24.3.
Variant type: single nucleotide variant.
Coding change: c.1255A>G on transcript NM_000891.3 (MANE Select); coding-DNA position 1255, A replaced by G.
Protein change: p.Arg419Gly; replaces arginine 419 with glycine.
Molecular consequence: missense variant.
Genome position (GRCh38, 1-based): chr17:70,176,294, A>G. VCF-style: chr17-70176294-A-G. GRCh37 (hg19) VCF-style: chr17-68172435-A-G.
Other names: short protein forms R419G.
Identifiers: ClinVar variation 4783749 (VCV004783749.2).

ClinVar aggregate classification (germline): Uncertain significance. Review status: criteria provided, multiple submitters, no conflicts (2 of 4 stars). 2 submissions from 2 submitters: Uncertain significance (2). Last evaluated 2026-01-20.

Conditions:
Short QT syndrome type 3. Identifiers: Orphanet 51083, MedGen C1865018, MONDO:0012314, OMIM 609622.
Andersen Tawil syndrome (LQT7). Also called: ANDERSEN CARDIODYSRHYTHMIC PERIODIC PARALYSIS; Potassium-sensitive periodic paralysis, ventricular ectopy, and dysmorphic features; LONG QT SYNDROME 7; PERIODIC PARALYSIS, POTASSIUM-SENSITIVE CARDIODYSRHYTHMIC TYPE; Andersen Syndrome. Identifiers: Orphanet 37553, MedGen C1563715, MONDO:0008222, OMIM 170390.
Cardiovascular phenotype. Identifiers: MedGen CN230736.

gnomAD v4.1: 1 of 1,614,156 alleles (0.000062%); highest among the groups gnomAD compares: South Asian, 0.0011%; no homozygotes.

Submissions (2):

Labcorp Genetics (formerly Invitae), Labcorp
Classification: Uncertain significance for Short QT syndrome type 3; Andersen Tawil syndrome. Last evaluated: 2026-01-20. Review status: criteria provided, single submitter. Criteria: Invitae Variant Classification Sherloc (09022015). Collection method: clinical testing. Allele origin: germline.
Comment: This sequence change replaces arginine, which is basic and polar, with glycine, which is neutral and non-polar, at codon 419 of the KCNJ2 protein (p.Arg419Gly). This variant is not present in population databases (gnomAD no frequency). This variant has not been reported in the literature in individuals affected with KCNJ2-related conditions. Invitae Evidence Modeling of protein sequence and biophysical properties (such as structural, functional, and spatial information, amino acid conservation, physicochemical variation, residue mobility, and thermodynamic stability) indicates that this missense variant is expected to disrupt KCNJ2 protein function with a positive predictive value of 95%. In summary, the available evidence is currently insufficient to determine the role of this variant in disease. Therefore, it has been classified as a Variant of Uncertain Significance.

Ambry Genetics
Classification: Uncertain significance for Cardiovascular phenotype. Last evaluated: 2025-12-30. Review status: criteria provided, single submitter. Criteria: Ambry Variant Classification Scheme 2023. Collection method: clinical testing. Allele origin: germline.